The following is an entry in ClinVar:

NM_004281.4(BAG3):c.362G>A (p.Arg121Gln)

Gene: BAG3 (BAG cochaperone 3; plus strand). Cytogenetic location: 10q26.11.
Variant type: single nucleotide variant.
Coding change: c.362G>A on transcript NM_004281.4 (MANE Select); coding-DNA position 362, G replaced by A.
Protein change: p.Arg121Gln; replaces arginine 121 with glutamine.
Molecular consequence: missense variant.
Genome position (GRCh38, 1-based): chr10:119,670,032, G>A. VCF-style: chr10-119670032-G-A. GRCh37 (hg19) VCF-style: chr10-121429544-G-A.
Other names: short protein forms R121Q.
Identifiers: ClinVar variation 228455 (VCV000228455.13), dbSNP rs876657746, ClinGen allele CA10576775.

ClinVar aggregate classification (germline): Uncertain significance. Review status: criteria provided, multiple submitters, no conflicts (2 of 4 stars). 5 submissions from 5 submitters: Uncertain significance (5). Last evaluated 2025-10-13.

Conditions:
Cardiovascular phenotype. Identifiers: MedGen CN230736.
Dilated cardiomyopathy 1HH (CMD1HH). Identifiers: Orphanet 154, MedGen C3151293, MONDO:0013479, OMIM 613881.
Myofibrillar myopathy 6. Identifiers: Orphanet 199340, MedGen C2751831, MONDO:0013061, OMIM 612954.

Allele frequency attached by ClinVar (database versions not stated): gnomAD 0.00001; gnomAD exomes 0.00001; TOPMed 0.00001.
gnomAD v4.1: 14 of 1,614,134 alleles (0.00087%); highest among the groups gnomAD compares: East Asian, 0.0022%; no homozygotes.

Submissions (5):

Labcorp Genetics (formerly Invitae), Labcorp
Classification: Uncertain significance for Dilated cardiomyopathy 1HH; Myofibrillar myopathy 6. Last evaluated: 2025-10-13. Review status: criteria provided, single submitter. Criteria: Invitae Variant Classification Sherloc (09022015). Collection method: clinical testing. Allele origin: germline.
Comment: This sequence change replaces arginine, which is basic and polar, with glutamine, which is neutral and polar, at codon 121 of the BAG3 protein (p.Arg121Gln). This variant is present in population databases (no rsID available, gnomAD 0.01%). This missense change has been observed in individual(s) with dilated cardiomyopathy (PMID: 29892087). ClinVar contains an entry for this variant (Variation ID: 228455). Invitae Evidence Modeling of protein sequence and biophysical properties (such as structural, functional, and spatial information, amino acid conservation, physicochemical variation, residue mobility, and thermodynamic stability) indicates that this missense variant is not expected to disrupt BAG3 protein function with a negative predictive value of 80%. In summary, the available evidence is currently insufficient to determine the role of this variant in disease. Therefore, it has been classified as a Variant of Uncertain Significance.

Ambry Genetics
Classification: Uncertain significance for Cardiovascular phenotype. Last evaluated: 2025-09-25. Review status: criteria provided, single submitter. Criteria: Ambry Variant Classification Scheme 2023. Collection method: clinical testing. Allele origin: germline.
Comment: The c.362G>A (p.R121Q) alteration is located in exon 2 (coding exon 2) of the BAG3 gene. This alteration results from a G to A substitution at nucleotide position 362, causing the arginine (R) at amino acid position 121 to be replaced by a glutamine (Q). Based on data from gnomAD, the A allele has an overall frequency of 0.001% (3/251444) total alleles studied. The highest observed frequency was 0.011% (2/18392) of East Asian alleles. Based on insufficient or conflicting evidence, the clinical significance of this alteration remains unclear.

GeneDx
Classification: Uncertain significance. Last evaluated: 2023-11-20. Review status: criteria provided, single submitter. Criteria: GeneDx Variant Classification Process June 2021. Collection method: clinical testing. Allele origin: germline. Affected: yes.
Comment: Not observed at significant frequency in large population cohorts (gnomAD); In silico analysis supports that this missense variant does not alter protein structure/function; Identified in a patient with dilated cardiomyopathy (DCM) in published literature who harbored an additional cardiogenetic variant (PMID: 29892087); This variant is associated with the following publications: (PMID: 29892087)

Women's Health and Genetics/Laboratory Corporation of America, LabCorp
Classification: Uncertain significance. Last evaluated: 2023-10-30. Review status: criteria provided, single submitter. Criteria: LabCorp Variant Classification Summary - May 2015. Collection method: clinical testing. Allele origin: germline.
Comment: Variant summary: BAG3 c.362G>A (p.Arg121Gln) results in a conservative amino acid change in the encoded protein sequence. Three of five in-silico tools predict a damaging effect of the variant on protein function. The variant allele was found at a frequency of 1.2e-05 in 251444 control chromosomes. The available data on variant occurrences in the general population are insufficient to allow any conclusion about variant significance. c.362G>A has been reported in the literature as a VUS in settings of multigene panel testing in at-least one individual within a cohort of dilated cardiomyopathy (DCM) patients (example, Horvat_2019). These report(s) do not provide unequivocal conclusions about association of the variant with Myofibrillar Myopathy, BAG3-Related/Dilated Cardiomyopathy (DCM). To our knowledge, no experimental evidence demonstrating an impact on protein function has been reported. The following publication has been ascertained in the context of this evaluation (PMID: 29892087). Three submitters have cited clinical-significance assessments for this variant to ClinVar after 2014. All submitters classified the variant as uncertain significance. Based on the evidence outlined above, the variant was classified as uncertain significance.

Laboratory for Molecular Medicine, Mass General Brigham Personalized Medicine
Classification: Uncertain significance. Last evaluated: 2015-10-26. Review status: criteria provided, single submitter. Criteria: LMM Criteria. Collection method: clinical testing. Allele origin: germline. Observed: 1 variant allele.
Comment: The p.Arg121Gln variant in BAG3 has not been previously reported in individuals with cardiomyopathy and was absent from large population studies. Computational prediction tools and conservation analysis do not provide strong support for or against an impact to the protein. In summary, the clinical significance of the p .Arg121Gln variant is uncertain.

Literature cited by the submitters: PubMed 29892087 (cited by Labcorp Genetics (formerly Invitae), Labcorp and Women's Health and Genetics/Laboratory Corporation of America, LabCorp).